The following is an entry in ClinVar:

ClinVar aggregate classification (germline): Uncertain significance (1 of 4 stars; one submission).

gnomAD v4.1: 1 of 1,587,866 alleles (0.000063%); highest among the groups gnomAD compares: Admixed American, 0.0018%; no homozygotes.

Submission:

CeGaT Center for Human Genetics Tuebingen
Classification: Uncertain significance. Last evaluated: 2025-08-01. Review status: criteria provided, single submitter. Criteria: CeGaT Center For Human Genetics Tuebingen Variant Classification Criteria Version 2. Collection method: clinical testing. Allele origin: germline. Affected: yes. Observed: 1 variant allele.
Comment: LAMA5: PM2, BP4

NM_005560.6(LAMA5):c.6892C>T (p.His2298Tyr)

Gene: LAMA5 (laminin subunit alpha 5; minus strand). Cytogenetic location: 20q13.33.
Variant type: single nucleotide variant.
Coding change: c.6892C>T on transcript NM_005560.6 (MANE Select); coding-DNA position 6892, C replaced by T.
Protein change: p.His2298Tyr; replaces histidine 2298 with tyrosine.
Molecular consequence: missense variant.
Genome position (GRCh38, 1-based): chr20:62,318,993, G>A on the plus strand (C>T on the coding strand, the complement: LAMA5 is on the minus strand). VCF-style: chr20-62318993-G-A. GRCh37 (hg19) VCF-style: chr20-60894049-G-A.
Other names: short protein forms H2298Y.
Identifiers: ClinVar variation 4084781 (VCV004084781.8).